The following is an entry in ClinVar:

ClinVar aggregate classification (germline): Likely pathogenic. Review status: criteria provided, multiple submitters, no conflicts (2 of 4 stars). 2 submissions from 2 submitters: Likely pathogenic (2). Last evaluated 2023-06-22.

Conditions:
Autosomal recessive limb-girdle muscular dystrophy type 2G (LGMDR7). Also called: Limb-girdle muscular dystrophy, type 2G; MUSCULAR DYSTROPHY, LIMB-GIRDLE, AUTOSOMAL RECESSIVE 7; Telethoninopathy. Identifiers: Orphanet 34514, MedGen C1866008, MONDO:0011170, OMIM 601954.
Abnormality of the musculature. Identifiers: MedGen C4021745, HP:0003011.

Submissions (2):

Neuberg Centre For Genomic Medicine, NCGM
Classification: Likely pathogenic for Autosomal recessive limb-girdle muscular dystrophy type 2G. Last evaluated: 2023-06-22. Review status: criteria provided, single submitter. Criteria: ACMG Guidelines, 2015. Collection method: clinical testing. Allele origin: germline. Inheritance: Autosomal recessive inheritance. Affected: yes.
Comment: The observed frameshift c.14_15del p.Glu5AlafsTer11 variant in TCAP gene has not been previously reported as pathogenic variant nor as a benign variant, to our knowledge. The p.Glu5AlafsTer11 variant is present with allele frequency of 0.002% in gnomAD Exomes. This variant has been submitted to the ClinVar database as Likely Pathogenic. This variant causes a frameshift starting with codon Glutamic Acid 5, changes this amino acid to Alanine residue, and creates a premature Stop codon at position 11 of the new reading frame, denoted p.Glu5AlafsTer11. This variant is predicted to cause loss of normal protein function through protein truncation. Loss of function variants have been previously reported to be disease causing. However, additional functional studies will be required to prove protein truncation. Hence the variant is classified as a Likely Pathogenic.

Kariminejad - Najmabadi Pathology & Genetics Center
Classification: Likely pathogenic for Abnormality of the musculature. Last evaluated: 2021-07-10. Review status: criteria provided, single submitter. Criteria: ACMG Guidelines, 2015. Collection method: clinical testing. Allele origin: germline. Affected: yes.

NM_003673.4(TCAP):c.14_15del (p.Glu5fs)

Gene: TCAP (titin-cap; plus strand). Cytogenetic location: 17q12.
Variant type: Microsatellite.
Coding change: c.14_15del on transcript NM_003673.4 (MANE Select); coding-DNA positions 14 to 15, 2 bases deleted (AG; older notation c.14_15delAG).
Protein change: p.Glu5fs; shifts the reading frame from glutamic acid 5.
Molecular consequence: frameshift variant.
Genome position (GRCh38, 1-based): chr17:39,665,373-39,665,374, AG deleted; deleting any 2 consecutive bases within chr17:39,665,371-39,665,374 gives the same sequence; the c. name uses the placement nearest the transcript's 3' end. VCF-style (leftmost placement, unchanged base first): chr17-39665370-CAG-C. GRCh37 (hg19) VCF-style: chr17-37821623-CAG-C.
Other names: c.14_15delAG (NM_003673.4); short protein forms E5fs.
Identifiers: ClinVar variation 1180772 (VCV001180772.2), dbSNP rs757082868, ClinGen allele CA8532817.